The following is an entry in ClinVar:

ClinVar aggregate classification (germline): Pathogenic/Likely pathogenic. Review status: criteria provided, multiple submitters, no conflicts (2 of 4 stars). 6 submissions from 6 submitters: Pathogenic (5); Likely pathogenic (1). Last evaluated 2025-05-15.

Conditions:
Familial cancer of breast. Also called: BREAST CANCER, FAMILIAL; Hereditary breast cancer; hereditary breast carcinoma. Identifiers: Orphanet 227535, MedGen C0346153, MONDO:0016419, OMIM 114480. Disease mechanism: loss of function.
Ataxia-telangiectasia syndrome (AT). Also called: LOUIS-BAR SYNDROME; Cerebello-oculocutaneous telangiectasia; Immunodeficiency with ataxia telangiectasia; Ataxia-telangiectasia, complementation group D; AT, COMPLEMENTATION GROUP C; ATAXIA-TELANGIECTASIA, COMPLEMENTATION GROUP A. Identifiers: Orphanet 100, MedGen C0004135, MONDO:0008840, OMIM 208900.
Hereditary cancer-predisposing syndrome. Also called: Neoplastic Syndromes, Hereditary; Tumor predisposition; Hereditary Cancer Syndrome; Hereditary neoplastic syndrome. Identifiers: Orphanet 140162, MedGen C0027672, MeSH D009386, MONDO:0015356.

Submissions (6):

GeneKor MSA
Classification: Pathogenic for Hereditary cancer-predisposing syndrome. Last evaluated: 2025-05-15. Review status: criteria provided, single submitter. Criteria: ACMG Guidelines, 2015. Collection method: clinical testing. Allele origin: germline. Affected: yes.
Comment: This variant is a 28-nucleotide deletion in exon 63 of the ATM mRNA c.(9007_9034del). This creates a premature translational stop signal 6 amino acid residues later p.(Asn3003Aspfs*6) and is expected to result in an absent or non-functional protein product. Loss-of-function variants in ATM are known to be pathogenic (PMID:23807571, 25614872). This genomic alteration disrupts the last 54 amino acids of the ATM protein. This variant is not present in population databases (rs2137906600). This deletion has been reported in international literature in individuals with με Ataxia-telangiectasia (PMID:11298136, 17600866, 27664052, 31050087). The mutation database ClinVar contains entries for this variant (VCV001184270.11). Experimental studies indicate that this variation alters the ATM gene expression (PMID:31050087). Based on the classification criteria set by the ACMG and AMP (PMID:25741868) this variant has been classified as pathogenic.

Molecular Diagnostics Laboratory, Catalan Institute of Oncology
Classification: Pathogenic for Hereditary cancer-predisposing syndrome. Last evaluated: 2024-11-21. Review status: criteria provided, single submitter. Criteria: ClinGen ACMG Specifications ATM V1.1.0. Collection method: clinical testing. Allele origin: germline.
Comment: PVS1, PM2_Supporting, PM3_VeryStrong, PM5_Supporting c.9007_9034del, located in exon 63 of the ATM gene, consists in the deletion of 28 bps in the last exon of ATM. It is predicted to create a frameshift, p.(Asn3003Aspfs*6), but not to trigger nonsense-mediated mRNA decay (NMD). However, the truncated region is critical for ATM protein function affecting the FATKIN (2980-3047) domain (PVS1, PM5_Supporting). It is not present in the population database gnomAD v2.1.1, non cancer dataset (PM2_supporting). The SpliceAI algorithm predicts no significant impact on splicing. This variant has been reported in several homozygous and heterozygous ataxia-telangiectasia (AT) probands (PMID: 27664052, 11298136, 31050087, 17600866, 21665257) (PM3_VeryStrong). This variant has been reported in ClinVar (3x pathogenic 1x likely pathogenic) and LOVD (4x pathogenic, 2x uncertain significance). Based on currently available information, c.9007_9034del should be considered a pathogenic variant according to ClinGen-ATM Guidelines version 1.1.

Myriad Genetics, Inc.
Classification: Pathogenic for Familial cancer of breast. Last evaluated: 2024-02-06. Review status: criteria provided, single submitter. Criteria: Myriad Autosomal Dominant, Autosomal Recessive and X-Linked Classification Criteria (2023). Collection method: clinical testing. Allele origin: unknown.
Comment: This variant is considered pathogenic. This variant creates a frameshift predicted to result in premature protein truncation.

Labcorp Genetics (formerly Invitae), Labcorp
Classification: Pathogenic for Ataxia-telangiectasia syndrome. Last evaluated: 2023-10-13. Review status: criteria provided, single submitter. Criteria: Invitae Variant Classification Sherloc (09022015). Collection method: clinical testing. Allele origin: germline.
Comment: This sequence change creates a premature translational stop signal (p.Asn3003Aspfs*6) in the ATM gene. While this is not anticipated to result in nonsense mediated decay, it is expected to disrupt the last 54 amino acid(s) of the ATM protein. This variant is not present in population databases (gnomAD no frequency). This premature translational stop signal has been observed in individuals with ataxia telangiectasia (PMID: 11298136, 17600866, 27664052, 31050087). It has also been observed to segregate with disease in related individuals. This variant is also known as 9008del28. ClinVar contains an entry for this variant (Variation ID: 1184270). Studies have shown that this premature translational stop signal alters ATM gene expression (PMID: 31050087). For these reasons, this variant has been classified as Pathogenic.

Laboratorio de Genética Hospitales Universitarios Virgen de las Nieves y Clínico San Cecilio (Granada, Spain), Hospitales Universitarios Virgen de las Nieves y Clínico San Cecilio (Granada, Spain)
Classification: Likely pathogenic for Familial cancer of breast. Last evaluated: 2021-07-22. Review status: criteria provided, single submitter. Criteria: ACMG Guidelines, 2015. Collection method: clinical testing. Allele origin: germline. Inheritance: Autosomal dominant inheritance. Affected: yes. Observed: 5 variant alleles, 5 heterozygotes.
Comment: Null variant (frame-shift), in gene ATM for which loss-of-function is a known mechanism of disease (gene has 1 708 pathogenic LOF variants and gnomAD Loss-of-Function Observed/Expected = 0.603 is less than 0.763), associated with Breast cancer, susceptibility to and Ataxia-Telangiectasia. Variant not found in gnomAD exomes, Variant not found in gnomAD genomes. Pathogenic computational verdict based on 1 pathogenic prediction from phyloP vs no benign predictions. We have encountered this variant in 3 breast cancer patients and in 2 ovarian cancer. All of them belong to gypsy ethnicity and apparently unrelated families.

Spanish ATM Cancer Susceptibility Variant Interpretation Working Group
Classification: Pathogenic for Hereditary cancer-predisposing syndrome. Last evaluated: 2020-06-17. Review status: criteria provided, single submitter. Criteria: Feliubadaló L et al. (Clin Chem 2021). Collection method: clinical testing. Allele origin: germline. Affected: yes. Observed: 2 heterozygotes. Clinical features observed: Bilateral breast cancer.
Comment: The c.9007_9034del (p.Asn3003Aspfs*6) variant deletes 28 bps in the last exon of ATM. It is predicted to create a frame shift but not to trigger nonsense-mediated mRNA decay (NMD). The truncation of the protein after residue 3003 deletes the FATC domain, critical for ATM activation as its interaction with the Tip60 histone acetyltransferase allows ATM acetylation and then autophosphorylation (PVS1_Strong, according to the PVS1 algorithm recommended by ACMG/AMP in 2018; PMID: 30192042). The variant is absent from the gnomAD v2.1.1 non-cancer dataset, in a position with adequate coverage (>20x) (PM2). This variant has been reported in four homozygous ataxia-telangiectasia (AT) probands sharing a common haplotype, but also in two other unrelated homozygotes. It has been also detected in an AT proband in trans with the variant of unknown significance c. 9007A>G, p.(Asn3003Asp). Together these allelic data award the c.9007_9034del variant with 1.25 points as per ClinGen SVI Recommendation for in trans Criterion (PM3; PMID: 27664052, 11298136, 31050087). Lymphoblastoid cell lines from independent homozygous carrier A-T patients showed trace or null amounts of ATM protein, no ATM autophosphorylation activity, reduced levels of phosphorylation of two substrates and intermediate radiosensitivity and high cell-cycle arrest in G2-M in response to a DNA damaging agent (PS3; PMID: 27664052, 11298136). Therefore, this variant meets criteria to be classified as pathogenic. Adapted ACMG/AMP rules applied as defined by the Spanish ATM working group: PVS1_Strong + PM2 + PM3 + PS3 (PMID: 33280026).

Literature cited by the submitters: PubMed 23807571 (cited by GeneKor MSA); PubMed 25614872 (cited by GeneKor MSA); PubMed 11298136 (cited by 3 submitters); PubMed 17600866 (cited by GeneKor MSA and Labcorp Genetics (formerly Invitae), Labcorp); PubMed 27664052 (cited by 3 submitters); PubMed 31050087 (cited by 3 submitters); PubMed 30192042 (cited by Spanish ATM Cancer Susceptibility Variant Interpretation Working Group).

NM_000051.4(ATM):c.9007_9034del (p.Asn3003fs)

Genes: ATM (ATM serine/threonine kinase; plus strand), C11orf65 (chromosome 11 open reading frame 65; minus strand). Cytogenetic location: 11q22.3.
Variant type: Deletion.
Coding change: c.9007_9034del on transcript NM_000051.4 (MANE Select); coding-DNA positions 9007 to 9034, 28 bases deleted (AACAAAGTAGCTGAACGTGTCTTAATGA).
Protein change: p.Asn3003fs; shifts the reading frame from asparagine 3003.
Molecular consequence: frameshift variant. On other transcripts: intron variant (2).
Genome position (GRCh38, 1-based): chr11:108,365,344-108,365,371, AACAAAGTAGCTGAACGTGTCTTAATGA deleted. VCF-style (leftmost placement, unchanged base first): chr11-108365343-CAACAAAGTAGCTGAACGTGTCTTAATGA-C. GRCh37 (hg19) VCF-style: chr11-108236070-CAACAAAGTAGCTGAACGTGTCTTAATGA-C.
Other names: c.9007_9034del28, p.Asn3003Aspfs (NM_000051.3); c.9007_9034del, p.Asn3003fs (NM_001351834.2); c.640+20549_640+20576del (NM_001330368.2); c.694+20549_694+20576del (NM_001351110.2); short protein forms N3003fs.
Identifiers: ClinVar variation 1184270 (VCV001184270.12), dbSNP rs2137906600, ClinGen allele CA2499220744.